The following is an entry in ClinVar:

ClinVar aggregate classification (germline): Conflicting classifications of pathogenicity. Review status: criteria provided, conflicting classifications (1 of 4 stars). 4 submissions from 4 submitters: Likely pathogenic (1); Uncertain significance (3). Last evaluated 2025-01-10.

Conditions:
Familial thoracic aortic aneurysm and aortic dissection (TAAD). Also called: Thoracic aortic aneurysms and dissections. Identifiers: Orphanet 91387, MedGen C4707243, MONDO:0019625.
Marfan syndrome (MFS). Also called: FBN1-Related Marfan Syndrome; Marfan's syndrome; MARFAN SYNDROME, TYPE I; Marfan syndrome type 1; Marfan syndrome, classic. Identifiers: Orphanet 284963, Orphanet 558, MedGen C0024796, MONDO:0007947, OMIM 154700.

Submissions (4):

Revvity Omics, Revvity
Classification: Uncertain significance. Last evaluated: 2025-01-10. Review status: criteria provided, single submitter. Criteria: ACMG Guidelines, 2015. Collection method: clinical testing. Allele origin: germline.

Labcorp Genetics (formerly Invitae), Labcorp
Classification: Likely pathogenic for Marfan syndrome; Familial thoracic aortic aneurysm and aortic dissection. Last evaluated: 2024-02-15. Review status: criteria provided, single submitter. Criteria: Invitae Variant Classification Sherloc (09022015). Collection method: clinical testing. Allele origin: germline.
Comment: This sequence change falls in intron 55 of the FBN1 gene. It does not directly change the encoded amino acid sequence of the FBN1 protein. This variant is not present in population databases (gnomAD no frequency). This variant has been observed in individual(s) with clinical features of FBN1-related conditions (Invitae). It has also been observed to segregate with disease in related individuals. ClinVar contains an entry for this variant (Variation ID: 837676). Algorithms developed to predict the effect of sequence changes on RNA splicing suggest that this variant may disrupt the consensus splice site. In summary, the currently available evidence indicates that the variant is pathogenic, but additional data are needed to prove that conclusively. Therefore, this variant has been classified as Likely Pathogenic.

Blueprint Genetics
Classification: Uncertain significance. Last evaluated: 2023-03-06. Review status: criteria provided, single submitter. Criteria: ACMG Guidelines, 2015. Collection method: clinical testing. Allele origin: germline.

GeneDx
Classification: Uncertain significance. Last evaluated: 2022-03-28. Review status: criteria provided, single submitter. Criteria: GeneDx Variant Classification Process June 2021. Collection method: clinical testing. Allele origin: germline. Affected: yes.
Comment: Has not been previously published as pathogenic or benign to our knowledge; Not observed at significant frequency in large population cohorts (gnomAD); In silico analysis supports a deleterious effect on splicing

NM_000138.5(FBN1):c.6740-10T>G

Gene: FBN1 (fibrillin 1; minus strand). Cytogenetic location: 15q21.1.
Variant type: single nucleotide variant.
Coding change: c.6740-10T>G on transcript NM_000138.5 (MANE Select); 10 bases into the intron before coding-DNA position 6740, T replaced by G.
Molecular consequence: intron variant.
Genome position (GRCh38, 1-based): chr15:48,430,812, A>C on the plus strand (T>G on the coding strand, the complement: FBN1 is on the minus strand). VCF-style: chr15-48430812-A-C. GRCh37 (hg19) VCF-style: chr15-48723009-A-C.
Identifiers: ClinVar variation 837676 (VCV000837676.14), dbSNP rs1456822662, ClinGen allele CA916082409.